The following is an entry in ClinVar:

ClinVar aggregate classification (germline): Uncertain significance (1 of 4 stars; one submission).

Submission:

GeneDx
Classification: Uncertain significance. Last evaluated: 2019-05-06. Review status: criteria provided, single submitter. Criteria: GeneDx Variant Classification Process June 2021. Collection method: clinical testing. Allele origin: germline. Affected: yes.
Comment: Not observed in large population cohorts (Lek et al., 2016); In silico analysis, which includes protein predictors and evolutionary conservation, supports that this variant does not alter protein structure/function; Has not been previously published as pathogenic or benign to our knowledge

NM_001128228.3(TPRN):c.1148A>G (p.Lys383Arg)

Gene: TPRN (taperin; minus strand). Cytogenetic location: 9q34.3.
Variant type: single nucleotide variant.
Coding change: c.1148A>G on transcript NM_001128228.3 (MANE Select); coding-DNA position 1148, A replaced by G.
Protein change: p.Lys383Arg; replaces lysine 383 with arginine.
Molecular consequence: missense variant.
Genome position (GRCh38, 1-based): chr9:137,199,564, T>C on the plus strand (A>G on the coding strand, the complement: TPRN is on the minus strand). VCF-style: chr9-137199564-T-C. GRCh37 (hg19) VCF-style: chr9-140094016-T-C.
Other names: short protein forms K383R.
Identifiers: ClinVar variation 1305467 (VCV001305467.2), dbSNP rs1834764070, ClinGen allele CA375777456.